The following is an entry in ClinVar:

ClinVar aggregate classification (germline): Uncertain significance (1 of 4 stars; one submission).

Submission:

Ambry Genetics
Classification: Uncertain significance. Last evaluated: 2026-04-28. Review status: criteria provided, single submitter. Criteria: Ambry Variant Classification Scheme 2023. Collection method: clinical testing. Allele origin: germline.
Comment: The p.D361A variant (also known as c.1082A>C), located in coding exon 1 of the MLH3 gene, results from an A to C substitution at nucleotide position 1082. The aspartic acid at codon 361 is replaced by alanine, an amino acid with dissimilar properties. This amino acid position is conserved. In addition, this alteration is predicted to be deleterious by in silico analysis. Based on the available evidence, the clinical significance of this variant remains unclear.

NM_001040108.2(MLH3):c.1082A>C (p.Asp361Ala)

Gene: MLH3 (mutL homolog 3; minus strand). Cytogenetic location: 14q24.3.
Variant type: single nucleotide variant.
Coding change: c.1082A>C on transcript NM_001040108.2 (MANE Select); coding-DNA position 1082, A replaced by C.
Protein change: p.Asp361Ala; replaces aspartic acid 361 with alanine.
Molecular consequence: missense variant.
Genome position (GRCh38, 1-based): chr14:75,048,574, T>G on the plus strand (A>C on the coding strand, the complement: MLH3 is on the minus strand). VCF-style: chr14-75048574-T-G. GRCh37 (hg19) VCF-style: chr14-75515277-T-G.
Other names: c.1082A>C, p.Asp361Ala (NM_014381.3); short protein forms D361A.
Identifiers: ClinVar variation 4860189 (VCV004860189.1).